The following is an entry in ClinVar:

NM_000262.3(NAGA):c.983T>C (p.Met328Thr)

Gene: NAGA (alpha-N-acetylgalactosaminidase; minus strand). Cytogenetic location: 22q13.2.
Variant type: single nucleotide variant.
Coding change: c.983T>C on transcript NM_000262.3 (MANE Select); coding-DNA position 983, T replaced by C.
Protein change: p.Met328Thr; replaces methionine 328 with threonine.
Molecular consequence: missense variant.
Genome position (GRCh38, 1-based): chr22:42,061,042, A>G on the plus strand (T>C on the coding strand, the complement: NAGA is on the minus strand). VCF-style: chr22-42061042-A-G. GRCh37 (hg19) VCF-style: chr22-42457046-A-G.
Other names: c.983T>C, p.Met328Thr (NM_001362848.1, NM_001362850.1); short protein forms M328T.
Identifiers: ClinVar variation 596276 (VCV000596276.17), dbSNP rs140356002, ClinGen allele CA10263627.
Genomic context (GRCh38, chr22:42,061,042, plus strand): 5'-GGCATATCGGTCCTGCAGCTGAAGAAGACTAAGGCGCTAGCCTTGTTGGACAGAGGCCGC[A>G]TGTACACTTCGATGAGAGATTTTTCCTGGGCACAGAAGGTGGCTACTGGCTGGGGTCCCT-3'
Protein context (NP_000253.1, residues 318-338): HKEKSLIEVY[Met328Thr]RPLSNKASAL

ClinVar aggregate classification (germline): Uncertain significance. Review status: criteria provided, multiple submitters, no conflicts (2 of 4 stars). 4 submissions from 4 submitters: Uncertain significance (4). Last evaluated 2025-09-04.

Conditions:
Inborn genetic diseases. Identifiers: MedGen C0950123, MeSH D030342.
Alpha-N-acetylgalactosaminidase deficiency type 1. Also called: NAGA DEFICIENCY, TYPE I; NEUROAXONAL DYSTROPHY, SCHINDLER TYPE; SCHINDLER DISEASE, TYPE I; ALPHA-N-ACETYLGALACTOSAMINIDASE DEFICIENCY, TYPE I. Identifiers: Orphanet 3137, Orphanet 79279, Orphanet 79281, MedGen C1836544, MONDO:0012221, OMIM 609241.

Allele frequency attached by ClinVar (database versions not stated): gnomAD exomes 0.00003 and 0.00004; ExAC 0.00005; gnomAD 0.00005 and 0.00006; TOPMed 0.00005; ESP Exome Variant Server 0.00008.
gnomAD v4.1: 61 of 1,614,080 alleles (0.0038%); highest among the groups gnomAD compares: Middle Eastern, 0.033%; no homozygotes.

Submissions (4):

Ambry Genetics
Classification: Uncertain significance for Inborn genetic diseases. Last evaluated: 2025-09-04. Review status: criteria provided, single submitter. Criteria: Ambry Variant Classification Scheme 2023. Collection method: clinical testing. Allele origin: germline.

Labcorp Genetics (formerly Invitae), Labcorp
Classification: Uncertain significance for Alpha-N-acetylgalactosaminidase deficiency type 1. Last evaluated: 2021-08-30. Review status: criteria provided, single submitter. Criteria: Invitae Variant Classification Sherloc (09022015). Collection method: clinical testing. Allele origin: germline.
Comment: This sequence change replaces methionine with threonine at codon 328 of the NAGA protein (p.Met328Thr). The methionine residue is weakly conserved and there is a moderate physicochemical difference between methionine and threonine. This variant is present in population databases (rs140356002, ExAC 0.008%). This variant has not been reported in the literature in individuals affected with NAGA-related conditions. ClinVar contains an entry for this variant (Variation ID: 596276). Algorithms developed to predict the effect of missense changes on protein structure and function (SIFT, PolyPhen-2, Align-GVGD) all suggest that this variant is likely to be tolerated. In summary, the available evidence is currently insufficient to determine the role of this variant in disease. Therefore, it has been classified as a Variant of Uncertain Significance.

Mayo Clinic Laboratories, Mayo Clinic
Classification: Uncertain significance. Last evaluated: 2020-03-17. Review status: criteria provided, single submitter. Criteria: ACMG Guidelines, 2015. Collection method: clinical testing. Allele origin: germline. Observed: 1 variant allele.

Eurofins Ntd Llc (ga)
Classification: Uncertain significance. Last evaluated: 2018-02-21. Review status: criteria provided, single submitter. Criteria: EGL ClinVar v180209 classification definitions. Collection method: clinical testing. Allele origin: germline. Observed: 1 variant allele, 1 heterozygote.